The following is an entry in ClinVar:

ClinVar aggregate classification (germline): Pathogenic. Review status: criteria provided, multiple submitters, no conflicts (2 of 4 stars). 2 submissions from 2 submitters: Pathogenic (2). Last evaluated 2025-02-03.

Conditions:
Retinitis pigmentosa (RP). Identifiers: Orphanet 791, MedGen C0035334, MeSH D012174, MONDO:0019200, OMIM 268000. Inheritance: Autosomal dominant, autosomal recessive and X linked inheritance.

Allele frequency attached by ClinVar (database versions not stated): gnomAD exomes below 0.00001; ExAC 0.00001; gnomAD 0.00001 and 0.00002; TOPMed 0.00001.

Submissions (2):

Labcorp Genetics (formerly Invitae), Labcorp
Classification: Pathogenic. Last evaluated: 2025-02-03. Review status: criteria provided, single submitter. Criteria: Invitae Variant Classification Sherloc (09022015). Collection method: clinical testing. Allele origin: germline.
Comment: This sequence change creates a premature translational stop signal (p.Lys663Argfs*19) in the RP1 gene. While this is not anticipated to result in nonsense mediated decay, it is expected to disrupt the last 1494 amino acid(s) of the RP1 protein. This variant is present in population databases (rs754246929, gnomAD 0.003%). This premature translational stop signal has been observed in individual(s) with clinical features of retinitis pigmentosa (internal data). In at least one individual the data is consistent with being in trans (on the opposite chromosome) from a pathogenic variant. ClinVar contains an entry for this variant (Variation ID: 1325011). This variant disrupts the C-terminus of the RP1 protein. Many variants that disrupt this region have been reported in individuals with either autosomal dominant or autosomal recessive retinitis pigmentosa (PMID: 11527933, 19933189, 29425069, 30027431, 33681214). Therefore, variants that disrupt this region are expected to be disease-causing. For these reasons, this variant has been classified as Pathogenic.

Ophthalmic Genetics Group, Institute of Molecular and Clinical Ophthalmology Basel
Classification: Pathogenic for Retinitis pigmentosa. Last evaluated: 2023-07-24. Review status: criteria provided, single submitter. Criteria: ACMG Guidelines, 2015. Collection method: research. Allele origin: germline. Affected: yes. Observed: 2 variant alleles.
Comment: Clinical significance based on ACMG v2.0

This variant was classified as Pathogenic based on ACMG criteria: PVS1, PP5, PM2.

Literature cited by the submitters: PubMed 11527933 (cited by Labcorp Genetics (formerly Invitae), Labcorp); PubMed 19933189 (cited by Labcorp Genetics (formerly Invitae), Labcorp); PubMed 29425069 (cited by Labcorp Genetics (formerly Invitae), Labcorp); PubMed 30027431 (cited by Labcorp Genetics (formerly Invitae), Labcorp); PubMed 33681214 (cited by Labcorp Genetics (formerly Invitae), Labcorp); PubMed 36909829 (cited by Ophthalmic Genetics Group, Institute of Molecular and Clinical Ophthalmology Basel).

NM_006269.2(RP1):c.1986del (p.Lys663fs)

Gene: RP1 (RP1 axonemal microtubule associated; plus strand). Cytogenetic location: 8q12.1.
Variant type: Deletion.
Coding change: c.1986del on transcript NM_006269.2 (MANE Select); coding-DNA position 1986, one base deleted (G; older notation c.1986delG).
Protein change: p.Lys663fs; shifts the reading frame from lysine 663.
Molecular consequence: frameshift variant. On other transcripts: intron variant (1).
Genome position (GRCh38, 1-based): chr8:54,625,868, G deleted. VCF-style (leftmost placement, unchanged base first): chr8-54625867-AG-A. GRCh37 (hg19) VCF-style: chr8-55538427-AG-A.
Other names: NP_006260.1:p.(Lys663ArgfsTer19); c.787+3580del (NM_001375654.1); short protein forms K663fs.
Identifiers: ClinVar variation 1325011 (VCV001325011.10), dbSNP rs754246929, ClinGen allele CA4751457.
Genomic context (GRCh38, chr8:54,625,867, plus strand): 5'-TTGACAGACTAATTAATGAATTTGCTCAGTGTGGTTTAACAAAACTTCCAAAAAATGAAA[AG>A]AAGATTTTGTCATCTGTTGCCAGCAAAAAGAAGAAAAAATCTCGACAGCAAGCAATAAAT-3'